The following is an entry in ClinVar:

ClinVar aggregate classification (germline): Uncertain significance. Review status: criteria provided, multiple submitters, no conflicts (2 of 4 stars). 2 submissions from 2 submitters: Uncertain significance (2). Last evaluated 2025-07-24.

Conditions:
Congenital myotonia, autosomal recessive form. Also called: BECKER DISEASE; Becker Generalized Myotonia; myotonia congenita, autosomal recessive. Identifiers: Orphanet 614, MedGen C0751360, MONDO:0009715, OMIM 255700.
Congenital myotonia, autosomal dominant form (THD). Also called: THOMSEN DISEASE; Myotonia congenita autosomal dominant. Identifiers: Orphanet 614, MedGen C2936781, MONDO:0008055, OMIM 160800.

Allele frequency attached by ClinVar (database versions not stated): gnomAD exomes 0.00001; ExAC 0.00002.
gnomAD v4.1: 5 of 1,613,978 alleles (0.00031%); highest among the groups gnomAD compares: Admixed American, 0.005%; no homozygotes.

Submissions (2):

Labcorp Genetics (formerly Invitae), Labcorp
Classification: Uncertain significance for Congenital myotonia, autosomal recessive form; Congenital myotonia, autosomal dominant form. Last evaluated: 2025-07-24. Review status: criteria provided, single submitter. Criteria: Invitae Variant Classification Sherloc (09022015). Collection method: clinical testing. Allele origin: germline.
Comment: This sequence change creates a premature translational stop signal (p.Glu958*) in the CLCN1 gene. While this is not anticipated to result in nonsense mediated decay, it is expected to disrupt the last 31 amino acid(s) of the CLCN1 protein. This variant is present in population databases (rs755731058, gnomAD 0.009%). This variant has not been reported in the literature in individuals affected with CLCN1-related conditions. ClinVar contains an entry for this variant (Variation ID: 1807105). In summary, the available evidence is currently insufficient to determine the role of this variant in disease. Therefore, it has been classified as a Variant of Uncertain Significance.

Athena Diagnostics
Classification: Uncertain significance. Last evaluated: 2022-07-20. Review status: criteria provided, single submitter. Criteria: Athena Diagnostics Criteria. Collection method: clinical testing. Allele origin: unknown.

NM_000083.3(CLCN1):c.2872G>T (p.Glu958Ter)

Gene: CLCN1 (chloride voltage-gated channel 1; plus strand). Cytogenetic location: 7q34.
Variant type: single nucleotide variant.
Coding change: c.2872G>T on transcript NM_000083.3 (MANE Select); coding-DNA position 2872, G replaced by T.
Protein change: p.Glu958Ter; replaces glutamic acid 958 with a stop codon.
Molecular consequence: nonsense. On other transcripts: non-coding transcript variant (1).
Genome position (GRCh38, 1-based): chr7:143,351,870, G>T. VCF-style: chr7-143351870-G-T. GRCh37 (hg19) VCF-style: chr7-143048963-G-T.
Other names: short protein forms E958*.
Identifiers: ClinVar variation 1807105 (VCV001807105.4), dbSNP rs755731058, ClinGen allele CA4537808.
Genomic context (GRCh38, chr7:143,351,870, plus strand): 5'-CCCCCTCTCTCCCTGGCCCCAGGCAAGGTAGAGGGCGAGTTGGAGGAGCTGGAGCTGGTG[G>T]AGAGTCCAGGGCTGGAAGAGGAGCTGGCCGACATCTTGCAGGGCCCCAGCCTGCGATCCA-3'